The following is an entry in ClinVar:

NM_080911.3(UNG):c.548A>G (p.Tyr183Cys)

Gene: UNG (uracil DNA glycosylase; plus strand). Cytogenetic location: 12q24.11.
Variant type: single nucleotide variant.
Coding change: c.548A>G on transcript NM_080911.3 (MANE Select); coding-DNA position 548, A replaced by G.
Protein change: p.Tyr183Cys; replaces tyrosine 183 with cysteine.
Molecular consequence: missense variant.
Genome position (GRCh38, 1-based): chr12:109,102,853, A>G. VCF-style: chr12-109102853-A-G. GRCh37 (hg19) VCF-style: chr12-109540658-A-G.
Other names: c.521A>G, p.Tyr174Cys (NM_003362.4); short protein forms Y174C, Y183C.
Identifiers: ClinVar variation 1060971 (VCV001060971.8), dbSNP rs745764048, ClinGen allele CA6772680.

ClinVar aggregate classification (germline): Uncertain significance (1 of 4 stars; one submission).

Conditions:
Hyper-IgM syndrome type 5 (HIGM5). Also called: Hyper-IgM Immunodeficiency Syndrome, Type 5. Identifiers: Orphanet 101092, MedGen C1720958, MONDO:0011971, OMIM 608106.

Allele frequency attached by ClinVar (database versions not stated): ExAC 0.00001; gnomAD exomes 0.00002 and 0.00004.
gnomAD v4.1: 9 of 1,612,876 alleles (0.00056%); highest among the groups gnomAD compares: Admixed American, 0.012%; no homozygotes.

Submission:

Labcorp Genetics (formerly Invitae), Labcorp
Classification: Uncertain significance for Hyper-IgM syndrome type 5. Last evaluated: 2024-09-16. Review status: criteria provided, single submitter. Criteria: Invitae Variant Classification Sherloc (09022015). Collection method: clinical testing. Allele origin: germline.
Comment: This sequence change replaces tyrosine, which is neutral and polar, with cysteine, which is neutral and slightly polar, at codon 183 of the UNG protein (p.Tyr183Cys). This variant is present in population databases (rs745764048, gnomAD 0.02%). This variant has not been reported in the literature in individuals affected with UNG-related conditions. ClinVar contains an entry for this variant (Variation ID: 1060971). Invitae Evidence Modeling of protein sequence and biophysical properties (such as structural, functional, and spatial information, amino acid conservation, physicochemical variation, residue mobility, and thermodynamic stability) indicates that this missense variant is expected to disrupt UNG protein function with a positive predictive value of 80%. In summary, the available evidence is currently insufficient to determine the role of this variant in disease. Therefore, it has been classified as a Variant of Uncertain Significance.